The following is an entry in ClinVar:

NM_001365999.1(SZT2):c.4401+7G>C

Gene: SZT2 (SZT2 subunit of KICSTOR complex; plus strand). Cytogenetic location: 1p34.2.
Variant type: single nucleotide variant.
Coding change: c.4401+7G>C on transcript NM_001365999.1 (MANE Select); 7 bases into the intron after coding-DNA position 4401, G replaced by C.
Molecular consequence: intron variant.
Genome position (GRCh38, 1-based): chr1:43,430,110, G>C. VCF-style: chr1-43430110-G-C. GRCh37 (hg19) VCF-style: chr1-43895781-G-C.
Other names: c.4230+7G>C (NM_015284.4, NM_015284.3).
Identifiers: ClinVar variation 1529886 (VCV001529886.10), dbSNP rs937666303, ClinGen allele CA21636754.

ClinVar aggregate classification (germline): Likely benign. Review status: criteria provided, single submitter (1 of 4 stars). 2 submissions from 2 submitters: Likely benign (1). 1 of the submissions does not count toward it. Last evaluated 2025-09-02.

Conditions:
SZT2-related disorder. Also called: SZT2-related condition.

Allele frequency attached by ClinVar (database versions not stated): gnomAD 0.00001; TOPMed 0.00002.
gnomAD v4.1: 11 of 1,613,734 alleles (0.00068%); highest among the groups gnomAD compares: Non-Finnish European, 0.00085%; no homozygotes.

Submissions (2):

Labcorp Genetics (formerly Invitae), Labcorp
Classification: Likely benign. Last evaluated: 2025-09-02. Review status: criteria provided, single submitter. Criteria: Invitae Variant Classification Sherloc (09022015). Collection method: clinical testing. Allele origin: germline.

PreventionGenetics, part of Exact Sciences
Classification: Likely benign for SZT2-related condition. Last evaluated: 2023-09-20. Review status: no assertion criteria provided. Collection method: clinical testing. Allele origin: germline. Not counted in ClinVar's aggregate classification.
Comment: This variant is classified as likely benign based on ACMG/AMP sequence variant interpretation guidelines (Richards et al. 2015 PMID: 25741868, with internal and published modifications).